The following is an entry in ClinVar:

ClinVar aggregate classification (germline): Benign. Review status: criteria provided, multiple submitters, no conflicts (2 of 4 stars). 4 submissions from 4 submitters: Benign (2). 2 of the submissions do not count toward it. Last evaluated 2024-11-26.

Allele frequency attached by ClinVar (database versions not stated): ExAC 0.46754; gnomAD 0.47578 and 0.48384; 1000 Genomes Project 0.61062.

Submissions (5):

Blueprint Genetics
Classification: Benign. Last evaluated: 2024-11-26. Review status: criteria provided, single submitter. Criteria: ACMG Guidelines, 2015. Collection method: clinical testing. Allele origin: germline.

GeneDx
Classification: Benign. Last evaluated: 2013-01-11. Review status: criteria provided, single submitter. Criteria: GeneDx Variant Classification (06012015). Collection method: clinical testing. Allele origin: germline. Affected: yes.
Comment: This variant is considered likely benign or benign based on one or more of the following criteria: it is a conservative change, it occurs at a poorly conserved position in the protein, it is predicted to be benign by multiple in silico algorithms, and/or has population frequency not consistent with disease.

Clinical Genetics, Academic Medical Center
Classification: Benign. Review status: no assertion criteria provided. Collection method: clinical testing. Allele origin: germline. Affected: yes. Study: VKGL Data-share Consensus. Not counted in ClinVar's aggregate classification.

Diagnostic Laboratory, Department of Genetics, University Medical Center Groningen
Classification: Benign. Review status: no assertion criteria provided. Collection method: clinical testing. Allele origin: germline. Affected: yes. Study: VKGL Data-share Consensus. Not counted in ClinVar's aggregate classification.

Dr. Peter K. Rogan Lab, Western University
No classification provided (evidence only). Condition: Clear cell carcinoma of kidney. Review status: no classification provided. Collection method: in vitro. Allele origin: not applicable. Functional consequence: retained intron. Not counted in ClinVar's aggregate classification.

NM_004387.4(NKX2-5):c.335-311A>T

Gene: NKX2-5 (NK2 homeobox 5; minus strand). Cytogenetic location: 5q35.1.
Variant type: single nucleotide variant.
Coding change: c.335-311A>T on transcript NM_004387.4 (MANE Select); 311 bases into the intron before coding-DNA position 335, A replaced by T.
Molecular consequence: intron variant.
Genome position (GRCh38, 1-based): chr5:173,233,520, T>A on the plus strand (A>T on the coding strand, the complement: NKX2-5 is on the minus strand). VCF-style: chr5-173233520-T-A. GRCh37 (hg19) VCF-style: chr5-172660523-T-A.
Other names: NC_000005.9:g.172660523T>A; c.335-56A>T (NM_001166176.2); c.335-19A>T (NM_001166175.2).
Identifiers: ClinVar variation 138523 (VCV000138523.6), dbSNP rs3095871, ClinGen allele CA292544.